The following is an entry in ClinVar:

NM_021930.6(RINT1):c.1982A>C (p.Gln661Pro)

Genes: EFCAB10 (EF-hand calcium binding domain 10; minus strand), RINT1 (RAD50 interactor 1; plus strand). Cytogenetic location: 7q22.3.
Variant type: single nucleotide variant.
Coding change: c.1982A>C on transcript NM_021930.6 (MANE Select); coding-DNA position 1982, A replaced by C.
Protein change: p.Gln661Pro; replaces glutamine 661 with proline.
Molecular consequence: missense variant. On other transcripts: 3 prime UTR variant (3), non-coding transcript variant (1).
Genome position (GRCh38, 1-based): chr7:105,565,372, A>C. VCF-style: chr7-105565372-A-C. GRCh37 (hg19) VCF-style: chr7-105205819-A-C.
Other names: c.*75T>G (NM_001355526.2); c.*177T>G (NM_001355530.2); c.*30T>G (NM_001355531.2); c.1748A>C, p.Gln583Pro (NM_001346599.2); c.959A>C, p.Gln320Pro (NM_001346600.2, NM_001346603.2); c.1058A>C, p.Gln353Pro (NM_001346601.2); short protein forms Q320P, Q353P, Q583P, Q661P.
Identifiers: ClinVar variation 3227625 (VCV003227625.1), dbSNP rs1791666979, ClinGen allele CA368814823.

ClinVar aggregate classification (germline): Uncertain significance (1 of 4 stars; one submission).

gnomAD v4.1: 1 of 1,614,188 alleles (0.000062%); highest among the groups gnomAD compares: Non-Finnish European, 0.000085%; no homozygotes.

Submission:

Ambry Genetics
Classification: Uncertain significance. Last evaluated: 2023-12-07. Review status: criteria provided, single submitter. Criteria: Ambry Variant Classification Scheme 2023. Collection method: clinical testing. Allele origin: germline.
Comment: The p.Q661P variant (also known as c.1982A>C), located in coding exon 13 of the RINT1 gene, results from an A to C substitution at nucleotide position 1982. The glutamine at codon 661 is replaced by proline, an amino acid with similar properties. This amino acid position is conserved. In addition, this alteration is predicted to be tolerated by in silico analysis. Since supporting evidence is limited at this time, the clinical significance of this alteration remains unclear.